The following is an entry in ClinVar:

NM_002693.3(POLG):c.3383G>A (p.Arg1128His)

Gene: POLG (DNA polymerase gamma, catalytic subunit; minus strand). Cytogenetic location: 15q26.1.
Variant type: single nucleotide variant.
Coding change: c.3383G>A on transcript NM_002693.3 (MANE Select); coding-DNA position 3383, G replaced by A.
Protein change: p.Arg1128His; replaces arginine 1128 with histidine.
Molecular consequence: missense variant.
Genome position (GRCh38, 1-based): chr15:89,318,640, C>T on the plus strand (G>A on the coding strand, the complement: POLG is on the minus strand). VCF-style: chr15-89318640-C-T. GRCh37 (hg19) VCF-style: chr15-89861871-C-T.
Other names: p.Arg1128His; c.3383G>A, p.Arg1128His (NM_001126131.2); short protein forms R1128H.
Identifiers: ClinVar variation 593423 (VCV000593423.44), dbSNP rs1405268319, ClinGen allele CA10602271.

ClinVar aggregate classification (germline): Conflicting classifications of pathogenicity. Review status: criteria provided, conflicting classifications (1 of 4 stars). 11 submissions from 11 submitters: Likely pathogenic (1); Uncertain significance (8). 2 of the submissions do not count toward it. Last evaluated 2025-12-01.

Conditions:
POLG-related disorder. Also called: POLG-Related Spectrum Disorders; POLG-related condition; POLG-Related Disorders. Identifiers: MedGen C4763519.
Mitochondrial DNA depletion syndrome 4b. Also called: Mitochondrial Neurogastrointestinal Encephalopathy Disease, POLG-Related; MNGIE, POLG-RELATED. Identifiers: Orphanet 298, MedGen C3150914, MONDO:0013350, OMIM 613662.
Progressive sclerosing poliodystrophy (MTDPS4A). Also called: Mitochondrial DNA Depletion Syndrome 4A; Mitochondrial DNA depletion syndrome 4A (Alpers type); NEURONAL DEGENERATION OF CHILDHOOD WITH LIVER DISEASE, PROGRESSIVE; Alpers-Huttenlocher Syndrome (AHS); ALPERS PROGRESSIVE INFANTILE POLIODYSTROPHY; Alpers Syndrome. Identifiers: Orphanet 726, MedGen C0205710, MONDO:0008758, OMIM 203700.

Allele frequency attached by ClinVar (database versions not stated): gnomAD exomes 0.00001; TOPMed 0.00002; gnomAD 0.00003.

Submissions (11):

GeneDx
Classification: Uncertain significance. Last evaluated: 2025-12-01. Review status: criteria provided, single submitter. Criteria: GeneDx Variant Classification Process June 2021. Collection method: clinical testing. Allele origin: germline. Affected: yes.
Comment: In silico analysis supports that this missense variant has a deleterious effect on protein structure/function; Not observed at significant frequency in large population cohorts (gnomAD); This variant is associated with the following publications: (PMID: 21856450, 32347949, 18546365)

Mayo Clinic Laboratories, Mayo Clinic
Classification: Uncertain significance. Last evaluated: 2025-06-29. Review status: criteria provided, single submitter. Criteria: ACMG Guidelines, 2015. Collection method: clinical testing. Allele origin: germline. Observed: 1 variant allele.
Comment: PP3_strong, PM2_supporting

Labcorp Genetics (formerly Invitae), Labcorp
Classification: Uncertain significance for Progressive sclerosing poliodystrophy. Last evaluated: 2025-05-27. Review status: criteria provided, single submitter. Criteria: Invitae Variant Classification Sherloc (09022015). Collection method: clinical testing. Allele origin: germline.
Comment: This sequence change replaces arginine, which is basic and polar, with histidine, which is basic and polar, at codon 1128 of the POLG protein (p.Arg1128His). This variant is present in population databases (no rsID available, gnomAD 0.002%). This missense change has been observed in individual(s) with clinical features of POLG-related conditions (PMID: 18546365). ClinVar contains an entry for this variant (Variation ID: 593423). Invitae Evidence Modeling of protein sequence and biophysical properties (such as structural, functional, and spatial information, amino acid conservation, physicochemical variation, residue mobility, and thermodynamic stability) indicates that this missense variant is expected to disrupt POLG protein function with a positive predictive value of 95%. In summary, the available evidence is currently insufficient to determine the role of this variant in disease. Therefore, it has been classified as a Variant of Uncertain Significance.

PreventionGenetics, part of Exact Sciences
Classification: Uncertain significance for POLG-related condition. Last evaluated: 2025-04-02. Review status: criteria provided, single submitter. Criteria: ACMG Guidelines, 2015. Collection method: clinical testing. Allele origin: germline.
Comment: The POLG c.3383G>A variant is predicted to result in the amino acid substitution p.Arg1128His. This variant was reported together with second POLG variant in an individual with POLG-related developmental delay, liver disease and microcephaly (Table 1, Wong et al. 2008. PubMed ID: 18546365). This variant is reported in 0.0018% of alleles in individuals of European (Non-Finnish) descent in gnomAD. At this time, the clinical significance of this variant is uncertain due to the absence of conclusive functional and genetic evidence.

Genomic Medicine Center of Excellence, King Faisal Specialist Hospital and Research Centre
Classification: Uncertain significance for Mitochondrial DNA depletion syndrome 4b. Last evaluated: 2024-04-04. Review status: criteria provided, single submitter. Criteria: ACMG Guidelines, 2015. Collection method: clinical testing. Allele origin: germline.

Women's Health and Genetics/Laboratory Corporation of America, LabCorp
Classification: Uncertain significance. Last evaluated: 2023-07-03. Review status: criteria provided, single submitter. Criteria: LabCorp Variant Classification Summary - May 2015. Collection method: clinical testing. Allele origin: germline.
Comment: Variant summary: POLG c.3383G>A (p.Arg1128His) results in a non-conservative amino acid change located in the DNA-directed DNA polymerase Family A palm domain (IPR001098) of the encoded protein sequence. Five of five in-silico tools predict a damaging effect of the variant on protein function. The variant allele was found at a frequency of 8e-06 in 251448 control chromosomes in gnomAD. The available data on variant occurrences in the general population are insufficient to allow any conclusion about variant significance. c.3383G>A has been reported in an individual affected with features of Mitochondrial DNA Depletion Syndrome - POLG Related without strong evidence for causality (Wong_2008). This report does not provide unequivocal conclusions about association of the variant with Mitochondrial DNA Depletion Syndrome - POLG Related. To our knowledge, no experimental evidence demonstrating an impact on protein function has been reported. The following publication has been ascertained in the context of this evaluation (PMID: 18546365). Four submitters have cited clinical-significance assessments for this variant to ClinVar after 2014 (VUS: n=3; Likely pathogenic: n=1). Based on the evidence outlined above, the variant was classified as uncertain significance.

CeGaT Center for Human Genetics Tuebingen
Classification: Uncertain significance. Last evaluated: 2023-03-01. Review status: criteria provided, single submitter. Criteria: CeGaT Center For Human Genetics Tuebingen Variant Classification Criteria Version 2. Collection method: clinical testing. Allele origin: germline. Affected: yes. Observed: 1 variant allele.
Comment: POLG: PP3

Wong Mito Lab, Molecular and Human Genetics, Baylor College of Medicine
Classification: Likely pathogenic for Progressive sclerosing poliodystrophy. Last evaluated: 2018-10-01. Review status: criteria provided, single submitter. Criteria: ACMG Guidelines, 2015. Collection method: clinical testing. Allele origin: germline.
Comment: The NM_002693.2:c.3383G>A (NP_002684.1:p.Arg1128His) [GRCH38: NC_000015.10:g.89318640C>T] variant in POLG gene is interpretated to be a Likely Pathogenic based on ACMG guidelines (PMID: 25741868). This variant meets the following evidence codes reported in the ACMG-guideline. PP3:Computational evidence/predictors indicate the variant has deleterious effect on POLG structure, function, or protein-protein interaction. PM2:This variant is absent in key population databases. PM3:Detected in trans with a pathogenic variant for Mitochondrial DNA depletion syndrome 4A (Alpers type) which is a recessive disorder. PP5:Reputable source(s) suggest that the variant is pathogenic. Based on the evidence criteria codes applied, the variant is suggested to be Likely Pathogenic.

Eurofins Ntd Llc (ga)
Classification: Uncertain significance. Last evaluated: 2017-08-01. Review status: criteria provided, single submitter. Criteria: EGL Classification Definitions 2015. Collection method: clinical testing. Allele origin: germline. Observed: 1 variant allele, 1 heterozygote.

Clinical Genetics DNA and cytogenetics Diagnostics Lab, Erasmus MC, Erasmus Medical Center
Classification: Uncertain significance. Review status: no assertion criteria provided. Collection method: clinical testing. Allele origin: germline. Affected: yes. Study: VKGL Data-share Consensus. Not counted in ClinVar's aggregate classification.

Laboratory of Diagnostic Genome Analysis, Leiden University Medical Center (LUMC)
Classification: Uncertain significance. Review status: no assertion criteria provided. Collection method: clinical testing. Allele origin: germline. Affected: yes. Study: VKGL Data-share Consensus. Not counted in ClinVar's aggregate classification.

Literature cited by the submitters: PubMed 18546365 (cited by 4 submitters).